The following is an entry in ClinVar:

NM_015340.4(LARS2):c.1124-324C>T

Genes: LARS2 (leucyl-tRNA synthetase 2, mitochondrial; plus strand), LARS2-AS1 (LARS2 antisense RNA 1; minus strand). Cytogenetic location: 3p21.31.
Variant type: single nucleotide variant.
Coding change: c.1124-324C>T on transcript NM_015340.4 (MANE Select); 324 bases into the intron before coding-DNA position 1124, C replaced by T.
Molecular consequence: intron variant.
Genome position (GRCh38, 1-based): chr3:45,488,373, C>T. VCF-style: chr3-45488373-C-T. GRCh37 (hg19) VCF-style: chr3-45529865-C-T.
Other names: c.1124-324C>T (NM_001368263.1).
Identifiers: ClinVar variation 684176 (VCV000684176.1), dbSNP rs1825210, ClinGen allele CA16141836.

ClinVar aggregate classification (germline): Benign (1 of 4 stars; one submission).

Allele frequency attached by ClinVar (database versions not stated): 1000 Genomes Project 30x 0.77436; TOPMed 0.77545; 1000 Genomes Project 0.78275; gnomAD 0.78781 and 0.79785.
gnomAD v4.1: 121,662 of 152,194 alleles (80%); highest among the groups gnomAD compares: East Asian, 98%; 52,830 homozygotes.

Submission:

GeneDx
Classification: Benign. Last evaluated: 2018-06-14. Review status: criteria provided, single submitter. Criteria: GeneDx Variant Classification (06012015). Collection method: clinical testing. Allele origin: germline. Affected: yes.
Comment: This variant is considered likely benign or benign based on one or more of the following criteria: it is a conservative change, it occurs at a poorly conserved position in the protein, it is predicted to be benign by multiple in silico algorithms, and/or has population frequency not consistent with disease.